The following is an entry in ClinVar:

NM_000548.5(TSC2):c.4746C>T (p.Ile1582=)

Gene: TSC2 (TSC complex subunit 2; plus strand). Cytogenetic location: 16p13.3.
Variant type: single nucleotide variant.
Coding change: c.4746C>T on transcript NM_000548.5 (MANE Select); coding-DNA position 4746, C replaced by T.
Protein change: p.Ile1582=; no amino-acid change (isoleucine 1582 retained).
Molecular consequence: synonymous variant.
Genome position (GRCh38, 1-based): chr16:2,086,276, C>T. VCF-style: chr16-2086276-C-T. GRCh37 (hg19) VCF-style: chr16-2136277-C-T.
Other names: c.4545C>T, p.Ile1515= (NM_001077183.3); c.4677C>T, p.Ile1559= (NM_001114382.3); c.4437C>T, p.Ile1479= (NM_001318827.2); c.4401C>T, p.Ile1467= (NM_001318829.2); c.4014C>T, p.Ile1338= (NM_001318831.2); c.4578C>T, p.Ile1526= (NM_001318832.2); c.4548C>T, p.Ile1516= (NM_001363528.2); c.4614C>T, p.Ile1538= (NM_001370404.1); and 1 more.
Identifiers: ClinVar variation 196994 (VCV000196994.22), dbSNP rs751305758, ClinGen allele CA020975.

ClinVar aggregate classification (germline): Conflicting classifications of pathogenicity. Review status: criteria provided, conflicting classifications (1 of 4 stars). 7 submissions from 7 submitters: Uncertain significance (1); Benign (1); Likely benign (5). Last evaluated 2026-01-31.

Conditions:
Hereditary cancer-predisposing syndrome. Also called: Hereditary Cancer Syndrome; Tumor predisposition; Hereditary neoplastic syndrome; Neoplastic Syndromes, Hereditary. Identifiers: Orphanet 140162, MedGen C0027672, MeSH D009386, MONDO:0015356.
Tuberous sclerosis syndrome (TSC). Also called: Tuberous Sclerosis Complex; Tuberous sclerosis. Identifiers: Orphanet 805, MedGen C0041341, MONDO:0001734.
Tuberous sclerosis 2 (TSC2). Identifiers: Orphanet 805, MedGen C1860707, MONDO:0013199, OMIM 613254.

Allele frequency attached by ClinVar (database versions not stated): gnomAD 0.00001 and 0.00003; TOPMed 0.00002.

Submissions (7):

Labcorp Genetics (formerly Invitae), Labcorp
Classification: Likely benign for Tuberous sclerosis 2. Last evaluated: 2026-01-31. Review status: criteria provided, single submitter. Criteria: Invitae Variant Classification Sherloc (09022015). Collection method: clinical testing. Allele origin: germline.

Myriad Genetics, Inc.
Classification: Benign for Tuberous sclerosis 2. Last evaluated: 2025-06-04. Review status: criteria provided, single submitter. Criteria: Myriad Autosomal Dominant, Autosomal Recessive and X-Linked Classification Criteria (2023). Collection method: clinical testing. Allele origin: unknown.
Comment: This variant is considered benign. This variant is a silent/synonymous amino acid change and it is not expected to impact splicing.

Color Diagnostics, LLC DBA Color Health
Classification: Likely benign for Tuberous sclerosis syndrome. Last evaluated: 2022-11-06. Review status: criteria provided, single submitter. Criteria: ACMG Guidelines, 2015. Collection method: clinical testing. Allele origin: germline.

Genome-Nilou Lab
Classification: Likely benign for Tuberous sclerosis 2. Last evaluated: 2021-11-07. Review status: criteria provided, single submitter. Criteria: ACMG Guidelines, 2015. Collection method: clinical testing. Allele origin: germline. Affected: no.

GeneDx
Classification: Likely benign. Last evaluated: 2018-02-19. Review status: criteria provided, single submitter. Criteria: GeneDx Variant Classification (06012015). Collection method: clinical testing. Allele origin: germline. Affected: yes.
Comment: This variant is considered likely benign or benign based on one or more of the following criteria: it is a conservative change, it occurs at a poorly conserved position in the protein, it is predicted to be benign by multiple in silico algorithms, and/or has population frequency not consistent with disease.

Ambry Genetics
Classification: Likely benign for Hereditary cancer-predisposing syndrome. Last evaluated: 2015-07-26. Review status: criteria provided, single submitter. Criteria: Ambry Variant Classification Scheme 2023. Collection method: clinical testing. Allele origin: germline.

Eurofins Ntd Llc (ga)
Classification: Uncertain significance. Last evaluated: 2014-12-18. Review status: criteria provided, single submitter. Criteria: EGL Classification Definitions 2015. Collection method: clinical testing. Allele origin: germline. Observed: 1 variant allele, 1 heterozygote.